The following is an entry in ClinVar:

NM_002454.3(MTRR):c.166G>A (p.Val56Met)

Gene: MTRR (5-methyltetrahydrofolate-homocysteine methyltransferase reductase; plus strand). Cytogenetic location: 5p15.31.
Variant type: single nucleotide variant.
Coding change: c.166G>A on transcript NM_002454.3 (MANE Select); coding-DNA position 166, G replaced by A.
Protein change: p.Val56Met; replaces valine 56 with methionine.
Molecular consequence: missense variant. On other transcripts: non-coding transcript variant (8).
Genome position (GRCh38, 1-based): chr5:7,873,409, G>A. VCF-style: chr5-7873409-G-A. GRCh37 (hg19) VCF-style: chr5-7873522-G-A.
Other names: c.166G>A, p.Val56Met (NM_001364440.2, NM_001364441.2, NM_001364442.2 and 1 more transcripts); short protein forms V56M.
Identifiers: ClinVar variation 1176807 (VCV001176807.43), dbSNP rs761061866, ClinGen allele CA3195507.

ClinVar aggregate classification (germline): Pathogenic/Likely pathogenic. Review status: criteria provided, multiple submitters, no conflicts (2 of 4 stars). 5 submissions from 5 submitters: Pathogenic (1); Likely pathogenic (4). Last evaluated 2025-02-28.

Conditions:
Neural tube defects, folate-sensitive (NTDFS). Also called: NTD, FOLATE-SENSITIVE. Identifiers: Orphanet 823, MedGen C1866558, MONDO:0011120, OMIM 601634.
Methylcobalamin deficiency type cblE (HMAE). Also called: VITAMIN B12-RESPONSIVE HOMOCYSTINURIA, cblE TYPE; HOMOCYSTINURIA-MEGALOBLASTIC ANEMIA, cblE COMPLEMENTATION TYPE; HOMOCYSTINURIA-MEGALOBLASTIC ANEMIA, cblE TYPE. Identifiers: Orphanet 2169, Orphanet 622, MedGen C1856057, MONDO:0009354, OMIM 236270.

Allele frequency attached by ClinVar (database versions not stated): ExAC 0.00001; gnomAD exomes 0.00001; gnomAD 0.00002.
gnomAD v4.1: 70 of 1,614,024 alleles (0.0043%); highest among the groups gnomAD compares: Non-Finnish European, 0.0055%; no homozygotes.

Submissions (5):

Natera, Inc.
Classification: Likely pathogenic for CblE complementation type homocystinuria-megaloblastic anemia due to defect in cobalamin metabolism. Last evaluated: 2025-02-28. Review status: criteria provided, single submitter. Criteria: Natera Variant Classification Schema (03/2026). Collection method: clinical testing. Allele origin: germline.
Comment: The c.166G>A variant in MTRR is a missense variant predicted to cause substitution of valine to methionine at amino acid 56. This variant is rare in the general population with a frequency below the threshold expected for the associated phenotype(s). This variant has been observed in one or more individuals affected with the associated recessive disease, as either homozygous or compound heterozygous with a second variant (PMID: 25526710, 22887477, 10484769). Additionally, this variant has been observed to segregate in affected family members (PMID: 25526710). Computational prediction algorithms indicate this variant is likely to affect gene or protein function. Given the available evidence, this variant is classified as Likely Pathogenic.

Baylor Genetics
Classification: Likely pathogenic for Neural tube defects, folate-sensitive. Last evaluated: 2024-03-29. Review status: criteria provided, single submitter. Criteria: ACMG Guidelines, 2015. Collection method: clinical testing. Allele origin: unknown.

GeneDx
Classification: Likely pathogenic. Last evaluated: 2024-03-14. Review status: criteria provided, single submitter. Criteria: GeneDx Variant Classification Process June 2021. Collection method: clinical testing. Allele origin: germline. Affected: yes.
Comment: Observed in apparent homozygous state or with another MTRR variant in patients referred for genetic testing at GeneDx or in published literature with features suggestive of homocystinuria, cblE complementation type, but it is not known whether the variants occurred on the same (in cis) or on different (in trans) chromosomes in some cases (PMID: 22887477, 10484769); Not observed at significant frequency in large population cohorts (gnomAD); In silico analysis supports that this missense variant has a deleterious effect on protein structure/function; This variant is associated with the following publications: (PMID: 10484769, 22887477)

Fulgent Genetics
Classification: Likely pathogenic for Methylcobalamin deficiency type cblE; Neural tube defects, folate-sensitive. Last evaluated: 2024-03-08. Review status: criteria provided, single submitter. Criteria: ACMG Guidelines, 2015. Collection method: clinical testing. Allele origin: germline.

CeGaT Center for Human Genetics Tuebingen
Classification: Pathogenic. Last evaluated: 2023-10-01. Review status: criteria provided, single submitter. Criteria: CeGaT Center For Human Genetics Tuebingen Variant Classification Criteria Version 2. Collection method: clinical testing. Allele origin: germline. Affected: yes. Observed: 2 variant alleles.
Comment: MTRR: PM3:Strong, PM2, PP4:Moderate, PS3:Moderate

Literature cited by the submitters: PubMed 25526710 (cited by Natera, Inc.); PubMed 22887477 (cited by Natera, Inc.); PubMed 10484769 (cited by Natera, Inc.).